The following is an entry in ClinVar:

NM_001379500.1(COL18A1):c.3640T>C (p.Tyr1214His)

Genes: COL18A1 (collagen type XVIII alpha 1 chain; plus strand), SLC19A1 (solute carrier family 19 member 1; minus strand). Cytogenetic location: 21q22.3.
Variant type: single nucleotide variant.
Coding change: c.3640T>C on transcript NM_001379500.1 (MANE Select); coding-DNA position 3640, T replaced by C.
Protein change: p.Tyr1214His; replaces tyrosine 1214 with histidine.
Molecular consequence: missense variant.
Genome position (GRCh38, 1-based): chr21:45,510,208, T>C. VCF-style: chr21-45510208-T-C. GRCh37 (hg19) VCF-style: chr21-46930122-T-C.
Other names: c.4171T>C, p.Tyr1391His (NM_030582.4); c.4876T>C, p.Tyr1626His (NM_130444.3); short protein forms Y1214H, Y1391H, Y1626H.
Identifiers: ClinVar variation 2102627 (VCV002102627.4), dbSNP rs1462198892, ClinGen allele CA410501729.

ClinVar aggregate classification (germline): Uncertain significance (1 of 4 stars; one submission).

Allele frequency attached by ClinVar (database versions not stated): gnomAD exomes below 0.00001.
gnomAD v4.1: 3 of 1,604,732 alleles (0.00019%); highest among the groups gnomAD compares: East Asian, 0.0068%; no homozygotes.

Submission:

Labcorp Genetics (formerly Invitae), Labcorp
Classification: Uncertain significance. Last evaluated: 2022-03-04. Review status: criteria provided, single submitter. Criteria: Invitae Variant Classification Sherloc (09022015). Collection method: clinical testing. Allele origin: germline.
Comment: In summary, the available evidence is currently insufficient to determine the role of this variant in disease. Therefore, it has been classified as a Variant of Uncertain Significance. The frequency data for this variant in the population databases is considered unreliable, as metrics indicate poor data quality at this position in the gnomAD database. This variant has not been reported in the literature in individuals affected with COL18A1-related conditions. This sequence change replaces tyrosine, which is neutral and polar, with histidine, which is basic and polar, at codon 1211 of the COL18A1 protein (p.Tyr1211His).